The following is an entry in ClinVar:

NM_020693.4(DSCAML1):c.2317G>A (p.Val773Ile)

Gene: DSCAML1 (DS cell adhesion molecule like 1; minus strand). Cytogenetic location: 11q23.3.
Variant type: single nucleotide variant.
Coding change: c.2317G>A on transcript NM_020693.4 (MANE Select); coding-DNA position 2317, G replaced by A.
Protein change: p.Val773Ile; replaces valine 773 with isoleucine.
Molecular consequence: missense variant.
Genome position (GRCh38, 1-based): chr11:117,503,887, C>T on the plus strand (G>A on the coding strand, the complement: DSCAML1 is on the minus strand). VCF-style: chr11-117503887-C-T. GRCh37 (hg19) VCF-style: chr11-117374602-C-T.
Other names: c.2317G>A, p.Val773Ile (NM_001367904.1); short protein forms V773I.
Identifiers: ClinVar variation 1911126 (VCV001911126.6), dbSNP rs371097603, ClinGen allele CA6297056.

ClinVar aggregate classification (germline): Uncertain significance. Review status: criteria provided, multiple submitters, no conflicts (2 of 4 stars). 2 submissions from 2 submitters: Uncertain significance (2). Last evaluated 2023-06-20.

Allele frequency attached by ClinVar (database versions not stated): ExAC 0.00002; gnomAD 0.00002; gnomAD exomes 0.00002; TOPMed 0.00003; ESP Exome Variant Server 0.00008.
gnomAD v4.1: 37 of 1,614,004 alleles (0.0023%); highest among the groups gnomAD compares: Non-Finnish European, 0.0027%; no homozygotes.

Submissions (2):

Labcorp Genetics (formerly Invitae), Labcorp
Classification: Uncertain significance. Last evaluated: 2023-06-20. Review status: criteria provided, single submitter. Criteria: Invitae Variant Classification Sherloc (09022015). Collection method: clinical testing. Allele origin: germline.
Comment: ClinVar contains an entry for this variant (Variation ID: 1911126). This variant has not been reported in the literature in individuals affected with DSCAML1-related conditions. This variant is present in population databases (rs371097603, gnomAD 0.003%). This sequence change replaces valine, which is neutral and non-polar, with isoleucine, which is neutral and non-polar, at codon 833 of the DSCAML1 protein (p.Val833Ile). An algorithm developed to predict the effect of missense changes on protein structure and function (PolyPhen-2) suggests that this variant is likely to be disruptive. In summary, the available evidence is currently insufficient to determine the role of this variant in disease. Therefore, it has been classified as a Variant of Uncertain Significance.

Ambry Genetics
Classification: Uncertain significance. Last evaluated: 2021-12-03. Review status: criteria provided, single submitter. Criteria: Ambry Variant Classification Scheme 2023. Collection method: clinical testing. Allele origin: germline.